The following is an entry in ClinVar:

ClinVar aggregate classification (germline): Conflicting classifications of pathogenicity. Review status: criteria provided, conflicting classifications (1 of 4 stars). 2 submissions from 2 submitters: Likely pathogenic (1); Uncertain significance (1). Last evaluated 2024-03-13.

Conditions:
Cardiovascular phenotype. Identifiers: MedGen CN230736.
Andersen Tawil syndrome (LQT7). Also called: Andersen Syndrome; ANDERSEN CARDIODYSRHYTHMIC PERIODIC PARALYSIS; Potassium-sensitive periodic paralysis, ventricular ectopy, and dysmorphic features; LONG QT SYNDROME 7; PERIODIC PARALYSIS, POTASSIUM-SENSITIVE CARDIODYSRHYTHMIC TYPE. Identifiers: Orphanet 37553, MedGen C1563715, MONDO:0008222, OMIM 170390.

Allele frequency attached by ClinVar (database versions not stated): gnomAD exomes below 0.00001.

Submissions (2):

Ambry Genetics
Classification: Uncertain significance for Cardiovascular phenotype. Last evaluated: 2024-03-13. Review status: criteria provided, single submitter. Criteria: Ambry Variant Classification Scheme 2023. Collection method: clinical testing. Allele origin: germline.
Comment: The p.V200M variant (also known as c.598G>A), located in coding exon 1 of the KCNJ2 gene, results from a G to A substitution at nucleotide position 598. The valine at codon 200 is replaced by methionine, an amino acid with highly similar properties. This amino acid position is well conserved in available vertebrate species. In addition, this alteration is predicted to be deleterious by in silico analysis. Based on the available evidence, the clinical significance of this alteration remains unclear.

Rajaie Cardiovascular, Medical and Research Center, Iran University of Medical Sciences
Classification: Likely pathogenic for Andersen Tawil syndrome. Review status: criteria provided, single submitter. Criteria: ACMG Guidelines, 2015. Collection method: research. Allele origin: germline. Inheritance: Autosomal dominant inheritance. Affected: yes. Observed: 1 heterozygote.

NM_000891.3(KCNJ2):c.598G>A (p.Val200Met)

Gene: KCNJ2 (potassium inwardly rectifying channel subfamily J member 2; plus strand). Cytogenetic location: 17q24.3.
Variant type: single nucleotide variant.
Coding change: c.598G>A on transcript NM_000891.3 (MANE Select); coding-DNA position 598, G replaced by A.
Protein change: p.Val200Met; replaces valine 200 with methionine.
Molecular consequence: missense variant.
Genome position (GRCh38, 1-based): chr17:70,175,637, G>A. VCF-style: chr17-70175637-G-A. GRCh37 (hg19) VCF-style: chr17-68171778-G-A.
Other names: short protein forms V200M.
Identifiers: ClinVar variation 2502416 (VCV002502416.3), dbSNP rs2509921216, ClinGen allele CA400861194.
Genomic context (GRCh38, chr17:70,175,637, plus strand): 5'-ATGGCCAAGATGGCAAAGCCAAAGAAGAGAAACGAGACTCTTGTCTTCAGTCACAATGCC[G>A]TGATTGCCATGAGAGACGGCAAGCTGTGTTTGATGTGGCGAGTGGGCAATCTTCGGAAAA-3'
Protein context (NP_000882.1, residues 190-210): NETLVFSHNA[Val200Met]IAMRDGKLCL